The following is an entry in ClinVar:

NM_015443.4(KANSL1):c.1576A>G (p.Ile526Val)

Gene: KANSL1 (KAT8 regulatory NSL complex subunit 1). Cytogenetic location: 17q21.31.
Variant type: single nucleotide variant.
Coding change: c.1576A>G on transcript NM_015443.4 (MANE Select); coding-DNA position 1576, A replaced by G.
Protein change: p.Ile526Val; replaces isoleucine 526 with valine.
Molecular consequence: missense variant.
Genome position (GRCh38, 1-based): chr17:46,067,625, T>C on the plus strand (A>G on the coding strand, the complement: KANSL1 is on the minus strand). VCF-style: chr17-46067625-T-C. GRCh37 (hg19) VCF-style: chr17-44144991-T-C.
Other names: c.1576A>G, p.Ile526Val (NM_001193465.2, NM_001193466.2, NM_001379198.1 and 14 more transcripts); c.1474A>G, p.Ile492Val (NM_001405859.1, NM_001405860.1, NM_001405861.1 and 1 more transcripts); c.310A>G, p.Ile104Val (NM_001405882.1, NM_001405883.1, NM_001405884.1 and 1 more transcripts); short protein forms I526V, I104V, I492V.
Identifiers: ClinVar variation 2277371 (VCV002277371.3), dbSNP rs370560721, ClinGen allele CA291126854.

ClinVar aggregate classification (germline): Uncertain significance. Review status: criteria provided, multiple submitters, no conflicts (2 of 4 stars). 2 submissions from 2 submitters: Uncertain significance (2). Last evaluated 2025-08-24.

Conditions:
Inborn genetic diseases. Identifiers: MedGen C0950123, MeSH D030342.
Koolen-de Vries syndrome (KDVS). Identifiers: Orphanet 96169, MedGen C1864871, MONDO:0012496, OMIM 610443.

Allele frequency attached by ClinVar (database versions not stated): TOPMed below 0.00001; ExAC 0.00001; gnomAD 0.00001; gnomAD exomes 0.00001.
gnomAD v4.1: 5 of 1,606,382 alleles (0.00031%); highest among the groups gnomAD compares: South Asian, 0.0033%; no homozygotes.

Submissions (2):

Labcorp Genetics (formerly Invitae), Labcorp
Classification: Uncertain significance for Koolen-de Vries syndrome. Last evaluated: 2025-08-24. Review status: criteria provided, single submitter. Criteria: Invitae Variant Classification Sherloc (09022015). Collection method: clinical testing. Allele origin: germline.
Comment: This sequence change replaces isoleucine, which is neutral and non-polar, with valine, which is neutral and non-polar, at codon 526 of the KANSL1 protein (p.Ile526Val). This variant is present in population databases (rs370560721, gnomAD 0.003%). This variant has not been reported in the literature in individuals affected with KANSL1-related conditions. ClinVar contains an entry for this variant (Variation ID: 2277371). An algorithm developed to predict the effect of missense changes on protein structure and function outputs the following: PolyPhen-2: "Benign". The valine amino acid residue is found in multiple mammalian species, which suggests that this missense change does not adversely affect protein function. In summary, the available evidence is currently insufficient to determine the role of this variant in disease. Therefore, it has been classified as a Variant of Uncertain Significance.

Ambry Genetics
Classification: Uncertain significance for Inborn genetic diseases. Last evaluated: 2022-02-11. Review status: criteria provided, single submitter. Criteria: Ambry Variant Classification Scheme 2023. Collection method: clinical testing. Allele origin: germline.